The following is an entry in ClinVar:

ClinVar aggregate classification (germline): Uncertain significance (1 of 4 stars; one submission).

Submission:

Athena Diagnostics
Classification: Uncertain significance. Last evaluated: 2024-04-04. Review status: criteria provided, single submitter. Criteria: Athena Diagnostics Criteria. Collection method: clinical testing. Allele origin: unknown.
Comment: Available data are insufficient to determine the clinical significance of the variant at this time. This variant has not been reported in large, multi-ethnic general populations. Polyphen and MutationTaster yielded discordant predictions regarding whether this amino acid change is damaging to the protein.

NM_001127222.2(CACNA1A):c.3469G>C (p.Ala1157Pro)

Gene: CACNA1A (calcium voltage-gated channel subunit alpha1 A; minus strand). Cytogenetic location: 19p13.13.
Variant type: single nucleotide variant.
Coding change: c.3469G>C on transcript NM_001127222.2 (MANE Select); coding-DNA position 3469, G replaced by C.
Protein change: p.Ala1157Pro; replaces alanine 1157 with proline.
Molecular consequence: missense variant.
Genome position (GRCh38, 1-based): chr19:13,286,587, C>G on the plus strand (G>C on the coding strand, the complement: CACNA1A is on the minus strand). VCF-style: chr19-13286587-C-G. GRCh37 (hg19) VCF-style: chr19-13397401-C-G.
Other names: c.3481G>C, p.Ala1161Pro (NM_000068.4, NM_023035.3); c.3472G>C, p.Ala1158Pro (NM_001127221.2, NM_001174080.2); short protein forms A1157P, A1158P, A1161P.
Identifiers: ClinVar variation 2684115 (VCV002684115.2), dbSNP rs2512856315, ClinGen allele CA404341307.